The following is an entry in ClinVar:

NM_001365536.1(SCN9A):c.5503C>T (p.Arg1835Trp)

Genes: SCN9A (sodium voltage-gated channel alpha subunit 9; minus strand), SCN1A-AS1 (SCN1A and SCN9A antisense RNA 1; plus strand). Cytogenetic location: 2q24.3.
Variant type: single nucleotide variant.
Coding change: c.5503C>T on transcript NM_001365536.1 (MANE Select); coding-DNA position 5503, C replaced by T.
Protein change: p.Arg1835Trp; replaces arginine 1835 with tryptophan.
Molecular consequence: missense variant.
Genome position (GRCh38, 1-based): chr2:166,199,136, G>A on the plus strand (C>T on the coding strand, the complement: SCN9A is on the minus strand). VCF-style: chr2-166199136-G-A. GRCh37 (hg19) VCF-style: chr2-167055646-G-A.
Other names: c.5470C>T, p.Arg1824Trp (NM_002977.4); short protein forms R1824W, R1835W.
Identifiers: ClinVar variation 650417 (VCV000650417.9), dbSNP rs200608140, ClinGen allele CA349052579.

ClinVar aggregate classification (germline): Uncertain significance (1 of 4 stars; one submission).

Conditions:
Neuropathy, hereditary sensory and autonomic, type 2A (HSAN2A). Also called: WNK1-Related HSAN2 (HSAN2A); MORVAN DISEASE; NEUROPATHY, CONGENITAL SENSORY; NEUROPATHY, HEREDITARY SENSORY RADICULAR, AUTOSOMAL RECESSIVE; NEUROPATHY, HEREDITARY SENSORY, TYPE IIA; NEUROPATHY, PROGRESSIVE SENSORY, OF CHILDREN. Identifiers: Orphanet 970, MedGen C2752089, MONDO:0024309, OMIM 201300.
Generalized epilepsy with febrile seizures plus, type 7 (GEFSP7). Also called: GEFS+, TYPE 7. Identifiers: Orphanet 36387, MedGen C2751778, MONDO:0013470, OMIM 613863.

gnomAD v4.1: 7 of 1,614,096 alleles (0.00043%); highest among the groups gnomAD compares: South Asian, 0.0022%; no homozygotes.

Submission:

Labcorp Genetics (formerly Invitae), Labcorp
Classification: Uncertain significance for Neuropathy, hereditary sensory and autonomic, type 2A; Generalized epilepsy with febrile seizures plus, type 7. Last evaluated: 2025-08-29. Review status: criteria provided, single submitter. Criteria: Invitae Variant Classification Sherloc (09022015). Collection method: clinical testing. Allele origin: germline.
Comment: This sequence change replaces arginine, which is basic and polar, with tryptophan, which is neutral and slightly polar, at codon 1824 of the SCN9A protein (p.Arg1824Trp). This variant is present in population databases (no rsID available, gnomAD 0.003%). This variant has not been reported in the literature in individuals affected with SCN9A-related conditions. ClinVar contains an entry for this variant (Variation ID: 650417). Invitae Evidence Modeling of protein sequence and biophysical properties (such as structural, functional, and spatial information, amino acid conservation, physicochemical variation, residue mobility, and thermodynamic stability) has been performed for this missense variant. However, the output from this modeling did not meet the statistical confidence thresholds required to predict the impact of this variant on SCN9A protein function. In summary, the available evidence is currently insufficient to determine the role of this variant in disease. Therefore, it has been classified as a Variant of Uncertain Significance.